The following is an entry in ClinVar:

ClinVar aggregate classification (germline): Likely benign. Review status: criteria provided, multiple submitters, no conflicts (2 of 4 stars). 3 submissions from 3 submitters: Likely benign (3). Last evaluated 2026-01-04.

Allele frequency attached by ClinVar (database versions not stated): gnomAD 0.00006 and 0.00007; TOPMed 0.00006; gnomAD exomes 0.00009.
gnomAD v4.1: 113 of 1,322,448 alleles (0.0085%); highest among the groups gnomAD compares: South Asian, 0.033%; no homozygotes.

Submissions (3):

Labcorp Genetics (formerly Invitae), Labcorp
Classification: Likely benign. Last evaluated: 2026-01-04. Review status: criteria provided, single submitter. Criteria: Invitae Variant Classification Sherloc (09022015). Collection method: clinical testing. Allele origin: germline.

CeGaT Center for Human Genetics Tuebingen
Classification: Likely benign. Last evaluated: 2024-11-01. Review status: criteria provided, single submitter. Criteria: CeGaT Center For Human Genetics Tuebingen Variant Classification Criteria Version 2. Collection method: clinical testing. Allele origin: germline. Affected: yes. Observed: 1 variant allele.
Comment: IRF2BP2: BP4, BP7

Blueprint Genetics
Classification: Likely benign. Last evaluated: 2024-02-21. Review status: criteria provided, single submitter. Criteria: ACMG Guidelines, 2015. Collection method: clinical testing. Allele origin: germline.

NM_182972.3(IRF2BP2):c.471G>C (p.Leu157=)

Genes: IRF2BP2 (interferon regulatory factor 2 binding protein 2; minus strand), LOC129932812 (ATAC-STARR-seq lymphoblastoid silent region 1977; plus strand). Cytogenetic location: 1q42.3.
Variant type: single nucleotide variant.
Coding change: c.471G>C on transcript NM_182972.3 (MANE Select); coding-DNA position 471, G replaced by C.
Protein change: p.Leu157=; no amino-acid change (leucine 157 retained).
Molecular consequence: synonymous variant.
Genome position (GRCh38, 1-based): chr1:234,609,024, C>G on the plus strand (G>C on the coding strand, the complement: IRF2BP2 is on the minus strand). VCF-style: chr1-234609024-C-G. GRCh37 (hg19) VCF-style: chr1-234744770-C-G.
Other names: c.471G>C, p.Leu157= (NM_001077397.1).
Identifiers: ClinVar variation 1528773 (VCV001528773.23), dbSNP rs776503885, ClinGen allele CA1461845.